The following is an entry in ClinVar:

NM_201384.3(PLEC):c.4082G>A (p.Arg1361Gln)

Gene: PLEC (plectin; minus strand). Cytogenetic location: 8q24.3.
Variant type: single nucleotide variant.
Coding change: c.4082G>A on transcript NM_201384.3 (MANE Select); coding-DNA position 4082, G replaced by A.
Protein change: p.Arg1361Gln; replaces arginine 1361 with glutamine.
Molecular consequence: missense variant. On other transcripts: intron variant (1).
Genome position (GRCh38, 1-based): chr8:143,925,847, C>T on the plus strand (G>A on the coding strand, the complement: PLEC is on the minus strand). VCF-style: chr8-143925847-C-T. GRCh37 (hg19) VCF-style: chr8-145000015-C-T.
Other names: c.4163G>A, p.Arg1388Gln (NM_000445.5); c.4040G>A, p.Arg1347Gln (NM_201378.4); c.4016G>A, p.Arg1339Gln (NM_201379.3); c.4163G>A (NM_000445.4); c.4493G>A, p.Arg1498Gln (NM_201380.4); c.3986G>A, p.Arg1329Gln (NM_201381.3); c.4082G>A, p.Arg1361Gln (NM_201382.4); c.4094G>A, p.Arg1365Gln (NM_201383.3); and 1 more; short protein forms R1339Q, R1361Q, R1365Q, R1347Q, R1498Q, R1329Q, R1388Q.
Identifiers: ClinVar variation 3890141 (VCV003890141.2).

ClinVar aggregate classification (germline): Uncertain significance. Review status: criteria provided, multiple submitters, no conflicts (2 of 4 stars). 2 submissions from 2 submitters: Uncertain significance (2). Last evaluated 2024-12-11.

Conditions:
PLEC-related disorder. Also called: PLEC-related condition; PLEC-related disorders.
Inborn genetic diseases. Identifiers: MedGen C0950123, MeSH D030342.

gnomAD v4.1: 19 of 1,550,652 alleles (0.0012%); highest among the groups gnomAD compares: East Asian, 0.0047%; no homozygotes.

Submissions (2):

Ambry Genetics
Classification: Uncertain significance for Inborn genetic diseases. Last evaluated: 2024-12-11. Review status: criteria provided, single submitter. Criteria: Ambry Variant Classification Scheme 2023. Collection method: clinical testing. Allele origin: germline.

PreventionGenetics, part of Exact Sciences
Classification: Uncertain significance for PLEC-related condition. Last evaluated: 2024-12-04. Review status: criteria provided, single submitter. Criteria: ACMG Guidelines, 2015. Collection method: clinical testing. Allele origin: germline.
Comment: The PLEC c.4163G>A variant is predicted to result in the amino acid substitution p.Arg1388Gln. To our knowledge, this variant has not been reported in the literature. This variant is reported in 0.0041% of alleles in individuals of South Asian descent in gnomAD. At this time, the clinical significance of this variant is uncertain due to the absence of conclusive functional and genetic evidence.